The following is an entry in ClinVar:

NM_004104.5(FASN):c.5858G>A (p.Arg1953Gln)

Gene: FASN (fatty acid synthase; minus strand). Cytogenetic location: 17q25.3.
Variant type: single nucleotide variant.
Coding change: c.5858G>A on transcript NM_004104.5 (MANE Select); coding-DNA position 5858, G replaced by A.
Protein change: p.Arg1953Gln; replaces arginine 1953 with glutamine.
Molecular consequence: missense variant.
Genome position (GRCh38, 1-based): chr17:82,082,588, C>T on the plus strand (G>A on the coding strand, the complement: FASN is on the minus strand). VCF-style: chr17-82082588-C-T. GRCh37 (hg19) VCF-style: chr17-80040464-C-T.
Other names: short protein forms R1953Q.
Identifiers: ClinVar variation 531048 (VCV000531048.10), dbSNP rs17848946, ClinGen allele CA8851531.

ClinVar aggregate classification (germline): Uncertain significance (1 of 4 stars; one submission).

Conditions:
Epileptic encephalopathy. Identifiers: MedGen C0543888, HP:0200134.

Allele frequency attached by ClinVar (database versions not stated): gnomAD exomes 0.00017 and 0.00020; 1000 Genomes Project 0.00040; ExAC 0.00015; TOPMed 0.00029; ESP Exome Variant Server 0.00008; gnomAD 0.00024 and 0.00022; 1000 Genomes Project 30x 0.00031.
gnomAD v4.1: 328 of 1,609,944 alleles (0.02%); highest among the groups gnomAD compares: East Asian, 0.25%; 1 homozygote.

Submission:

Labcorp Genetics (formerly Invitae), Labcorp
Classification: Uncertain significance for Epileptic encephalopathy. Last evaluated: 2025-06-02. Review status: criteria provided, single submitter. Criteria: Invitae Variant Classification Sherloc (09022015). Collection method: clinical testing. Allele origin: germline.
Comment: This sequence change replaces arginine, which is basic and polar, with glutamine, which is neutral and polar, at codon 1953 of the FASN protein (p.Arg1953Gln). This variant is present in population databases (rs17848946, gnomAD 0.04%). This variant has not been reported in the literature in individuals affected with FASN-related conditions. ClinVar contains an entry for this variant (Variation ID: 531048). An algorithm developed to predict the effect of missense changes on protein structure and function outputs the following: PolyPhen-2: "Benign". The glutamine amino acid residue is found in multiple mammalian species, which suggests that this missense change does not adversely affect protein function. In summary, the available evidence is currently insufficient to determine the role of this variant in disease. Therefore, it has been classified as a Variant of Uncertain Significance.